The following is an entry in ClinVar:

NM_000548.5(TSC2):c.4343G>C (p.Ser1448Thr)

Gene: TSC2 (TSC complex subunit 2; plus strand). Cytogenetic location: 16p13.3.
Variant type: single nucleotide variant.
Coding change: c.4343G>C on transcript NM_000548.5 (MANE Select); coding-DNA position 4343, G replaced by C.
Protein change: p.Ser1448Thr; replaces serine 1448 with threonine.
Molecular consequence: missense variant. On other transcripts: non-coding transcript variant (5).
Genome position (GRCh38, 1-based): chr16:2,084,565, G>C. VCF-style: chr16-2084565-G-C. GRCh37 (hg19) VCF-style: chr16-2134566-G-C.
Other names: c.4142G>C, p.Ser1381Thr (NM_001077183.3); c.4274G>C, p.Ser1425Thr (NM_001114382.3); c.4034G>C, p.Ser1345Thr (NM_001318827.2); c.3998G>C, p.Ser1333Thr (NM_001318829.2); c.3611G>C, p.Ser1204Thr (NM_001318831.2); c.4175G>C, p.Ser1392Thr (NM_001318832.2); c.4145G>C, p.Ser1382Thr (NM_001363528.2); c.4211G>C, p.Ser1404Thr (NM_001370404.1); and 26 more; short protein forms S1181T, S1182T, S1204T, S1224T, S1225T, S1228T, S1248T, S1332T.
Identifiers: ClinVar variation 5020339 (VCV005020339.1).

ClinVar aggregate classification (germline): Uncertain significance (1 of 4 stars; one submission).

Conditions:
Tuberous sclerosis 2 (TSC2). Identifiers: Orphanet 805, MedGen C1860707, MONDO:0013199, OMIM 613254.

Submission:

Dasa
Classification: Uncertain significance for Tuberous sclerosis 2. Last evaluated: 2026-06-19. Review status: criteria provided, single submitter. Criteria: DASA Assertion Criteria. Collection method: clinical testing. Allele origin: germline.
Comment: NM_000548.5(TSC2):c.4343G>C (p.Ser1448Thr) is a missense variant that results in the substitution of serine with threonine. This variant is absent from population databases. The currently available literature and clinical evidence are not sufficient to establish a definitive association between this variant and the reported condition. Therefore, this variant is classified as a variant of uncertain significance.